The following is an entry in ClinVar:

NM_031433.4(MFRP):c.909dup (p.Asn304fs)

Genes: C1QTNF5 (C1q and TNF related 5; minus strand), MFRP (membrane frizzled-related protein; minus strand). Cytogenetic location: 11q23.3.
Variant type: Duplication.
Coding change: c.909dup on transcript NM_031433.4 (MANE Select); coding-DNA position 909, one base duplicated (G; older notation c.909dupG).
Protein change: p.Asn304fs; shifts the reading frame from asparagine 304.
Molecular consequence: frameshift variant. On other transcripts: 5 prime UTR variant (1).
Genome position (GRCh38, 1-based): chr11:119,344,381, C duplicated on the plus strand (G on the coding strand, the reverse complement: MFRP is on the minus strand); the first of 6 consecutive C bases (chr11:119,344,381-119,344,386); duplicating any one gives the same sequence. VCF-style (leftmost placement, unchanged base first): chr11-119344380-T-TC. GRCh37 (hg19) VCF-style: chr11-119215090-T-TC.
Other names: c.-1728dup (NM_015645.5); short protein forms N304fs.
Identifiers: ClinVar variation 2780867 (VCV002780867.3), dbSNP rs769491427, ClinGen allele CA602579317.

ClinVar aggregate classification (germline): Pathogenic (1 of 4 stars; one submission).

Conditions:
Isolated microphthalmia 5. Also called: Posterior Microphthalmia with Retinitis Pigmentosa, Foveoschisis, and Optic Disc Drusen. Identifiers: Orphanet 251279, MedGen C1970236, MONDO:0012605, OMIM 611040.

Submission:

Labcorp Genetics (formerly Invitae), Labcorp
Classification: Pathogenic for Isolated microphthalmia 5. Last evaluated: 2023-10-24. Review status: criteria provided, single submitter. Criteria: Invitae Variant Classification Sherloc (09022015). Collection method: clinical testing. Allele origin: germline.
Comment: This sequence change creates a premature translational stop signal (p.Asn304Glufs*54) in the MFRP gene. It is expected to result in an absent or disrupted protein product. Loss-of-function variants in MFRP are known to be pathogenic (PMID: 12140190, 15976030, 20361016). This variant is not present in population databases (gnomAD no frequency). This variant has not been reported in the literature in individuals affected with MFRP-related conditions. For these reasons, this variant has been classified as Pathogenic.

Literature cited by the submitters: PubMed 12140190; PubMed 15976030; PubMed 20361016.